The following is an entry in ClinVar:

ClinVar aggregate classification (germline): Conflicting classifications of pathogenicity. Review status: criteria provided, conflicting classifications (1 of 4 stars). 3 submissions from 3 submitters: Uncertain significance (1); Likely benign (1). 1 of the submissions does not count toward it. Last evaluated 2025-08-10.

Conditions:
CELSR2-related disorder. Also called: CELSR2-related condition.

Allele frequency attached by ClinVar (database versions not stated): gnomAD exomes 0.00011; ExAC 0.00047; 1000 Genomes Project 0.00140; gnomAD 0.00165; TOPMed 0.00168; 1000 Genomes Project 30x 0.00172; ESP Exome Variant Server 0.00185.
gnomAD v4.1: 422 of 1,613,462 alleles (0.026%); highest among the groups gnomAD compares: African/African-American, 0.52%; 1 homozygote.

Submissions (3):

Ambry Genetics
Classification: Uncertain significance. Last evaluated: 2025-08-10. Review status: criteria provided, single submitter. Criteria: Ambry Variant Classification Scheme 2023. Collection method: clinical testing. Allele origin: germline.

Labcorp Genetics (formerly Invitae), Labcorp
Classification: Likely benign. Last evaluated: 2025-07-11. Review status: criteria provided, single submitter. Criteria: Invitae Variant Classification Sherloc (09022015). Collection method: clinical testing. Allele origin: germline.

PreventionGenetics, part of Exact Sciences
Classification: Likely benign for CELSR2-related condition. Last evaluated: 2020-06-29. Review status: no assertion criteria provided. Collection method: clinical testing. Allele origin: germline. Not counted in ClinVar's aggregate classification.
Comment: This variant is classified as likely benign based on ACMG/AMP sequence variant interpretation guidelines (Richards et al. 2015 PMID: 25741868, with internal and published modifications).

NM_001408.3(CELSR2):c.3193G>C (p.Glu1065Gln)

Genes: CELSR2 (cadherin EGF LAG seven-pass G-type receptor 2; plus strand), LOC110121283 (VISTA enhancer hs2216; plus strand). Cytogenetic location: 1p13.3.
Variant type: single nucleotide variant.
Coding change: c.3193G>C on transcript NM_001408.3 (MANE Select); coding-DNA position 3193, G replaced by C.
Protein change: p.Glu1065Gln; replaces glutamic acid 1065 with glutamine.
Molecular consequence: missense variant.
Genome position (GRCh38, 1-based): chr1:109,253,272, G>C. VCF-style: chr1-109253272-G-C. GRCh37 (hg19) VCF-style: chr1-109795894-G-C.
Other names: short protein forms E1065Q.
Identifiers: ClinVar variation 3045686 (VCV003045686.4), dbSNP rs138135177, ClinGen allele CA986878.